The following is an entry in ClinVar:

NM_144498.4(OSBPL2):c.278T>C (p.Met93Thr)

Gene: OSBPL2 (oxysterol binding protein like 2; plus strand). Cytogenetic location: 20q13.33.
Variant type: single nucleotide variant.
Coding change: c.278T>C on transcript NM_144498.4 (MANE Select); coding-DNA position 278, T replaced by C.
Protein change: p.Met93Thr; replaces methionine 93 with threonine.
Molecular consequence: missense variant. On other transcripts: initiator codon variant (2).
Genome position (GRCh38, 1-based): chr20:62,272,144, T>C. VCF-style: chr20-62272144-T-C. GRCh37 (hg19) VCF-style: chr20-60847200-T-C.
Other names: c.2T>C, p.Met1Thr (NM_001278649.3, NM_001363878.2); c.242T>C, p.Met81Thr (NM_014835.5); short protein forms M1T, M81T, M93T.
Identifiers: ClinVar variation 3368238 (VCV003368238.1).

ClinVar aggregate classification (germline): Uncertain significance (1 of 4 stars; one submission).

gnomAD v4.1: 1 of 1,613,828 alleles (0.000062%); highest among the groups gnomAD compares: Non-Finnish European, 0.000085%; no homozygotes.

Submission:

GeneDx
Classification: Uncertain significance. Last evaluated: 2024-01-25. Review status: criteria provided, single submitter. Criteria: GeneDx Variant Classification Process June 2021. Collection method: clinical testing. Allele origin: germline. Affected: yes.
Comment: Not observed at significant frequency in large population cohorts (gnomAD); In silico analysis supports that this missense variant has a deleterious effect on protein structure/function; Has not been previously published as pathogenic or benign to our knowledge